The following is an entry in ClinVar:

NM_012120.3(CD2AP):c.*2355G>A

Gene: CD2AP (CD2 associated protein; plus strand). Cytogenetic location: 6p12.3.
Variant type: single nucleotide variant.
Coding change: c.*2355G>A on transcript NM_012120.3 (MANE Select); 2355 bases downstream of the stop codon, G replaced by A.
Molecular consequence: 3 prime UTR variant.
Genome position (GRCh38, 1-based): chr6:47,626,582, G>A. VCF-style: chr6-47626582-G-A. GRCh37 (hg19) VCF-style: chr6-47594318-G-A.
Identifiers: ClinVar variation 357229 (VCV000357229.5), dbSNP rs141029774, ClinGen allele CA10622323.

ClinVar aggregate classification (germline): Benign (1 of 4 stars; one submission).

Conditions:
Focal segmental glomerulosclerosis 3, susceptibility to (FSGS3). Identifiers: Orphanet 656, MedGen C1842982, MONDO:0011917, OMIM 607832.

Allele frequency attached by ClinVar (database versions not stated): TOPMed 0.00283; 1000 Genomes Project 0.00300; gnomAD 0.00301 and 0.00334; 1000 Genomes Project 30x 0.00359; gnomAD exomes 0.00467.
gnomAD v4.1: 510 of 152,402 alleles (0.33%); highest among the groups gnomAD compares: South Asian, 1.3%; 4 homozygotes.

Submission:

Illumina Laboratory Services, Illumina
Classification: Benign for Focal segmental glomerulosclerosis 3, susceptibility to. Last evaluated: 2018-01-12. Review status: criteria provided, single submitter. Criteria: ICSL Variant Classification Criteria 13 December 2019. Collection method: clinical testing. Allele origin: germline.
Comment: This variant was observed in the ICSL laboratory as part of a predisposition screen in an ostensibly healthy population. It had not been previously curated by ICSL or reported in the Human Gene Mutation Database (HGMD: prior to June 1st, 2018), and was therefore a candidate for classification through an automated scoring system. Utilizing variant allele frequency, disease prevalence and penetrance estimates, and inheritance mode, an automated score was calculated to assess if this variant is too frequent to cause the disease. Based on the score and internal cut-off values, a variant classified as benign is not then subjected to further curation. The score for this variant resulted in a classification of benign for this disease.